The following is an entry in ClinVar:

NM_031935.3(HMCN1):c.13441_13442delinsAA (p.Ser4481Asn)

Gene: HMCN1 (hemicentin 1; plus strand). Cytogenetic location: 1q31.1.
Variant type: Indel.
Coding change: c.13441_13442delinsAA on transcript NM_031935.3 (MANE Select); coding-DNA positions 13441 to 13442, TC replaced by AA.
Protein change: p.Ser4481Asn; replaces serine 4481 with asparagine.
Molecular consequence: missense variant.
Genome position (GRCh38, 1-based): chr1:186,136,796-186,136,797, TC replaced by AA. VCF-style: chr1-186136796-TC-AA. GRCh37 (hg19) VCF-style: chr1-186105928-TC-AA.
Other names: short protein forms S4481N.
Identifiers: ClinVar variation 1409577 (VCV001409577.6), dbSNP rs2102533542, ClinGen allele CA2573131461.

ClinVar aggregate classification (germline): Uncertain significance (1 of 4 stars; one submission).

Submission:

Labcorp Genetics (formerly Invitae), Labcorp
Classification: Uncertain significance. Last evaluated: 2025-12-03. Review status: criteria provided, single submitter. Criteria: Invitae Variant Classification Sherloc (09022015). Collection method: clinical testing. Allele origin: germline.
Comment: This sequence change replaces serine, which is neutral and polar, with asparagine, which is neutral and polar, at codon 4481 of the HMCN1 protein (p.Ser4481Asn). This variant is present in population databases (no rsID available, gnomAD 0.006%). This variant has not been reported in the literature in individuals affected with HMCN1-related conditions. ClinVar contains an entry for this variant (Variation ID: 1409577). An algorithm developed to predict the effect of missense changes on protein structure and function (PolyPhen-2) suggests that this variant is likely to be tolerated. In summary, the available evidence is currently insufficient to determine the role of this variant in disease. Therefore, it has been classified as a Variant of Uncertain Significance.